The following is an entry in ClinVar:

ClinVar aggregate classification (germline): Pathogenic (1 of 4 stars; one submission).

Conditions:
Arginine:glycine amidinotransferase deficiency (CCDS3). Also called: L-Arginine:Glycine Amidinotransferase (AGAT) Deficiency; AGAT deficiency; L-Arginine:Glycine Amidinotransferase Deficiency; Cerebral creatine deficiency syndrome 3; Creatine deficiency syndrome due to AGAT deficiency; GATM deficiency. Identifiers: Orphanet 35704, MedGen C2675179, MONDO:0012996, OMIM 612718.

Submission:

Labcorp Genetics (formerly Invitae), Labcorp
Classification: Pathogenic for Arginine:glycine amidinotransferase deficiency. Last evaluated: 2023-04-19. Review status: criteria provided, single submitter. Criteria: Invitae Variant Classification Sherloc (09022015). Collection method: clinical testing. Allele origin: germline.
Comment: This sequence change creates a premature translational stop signal (p.Val17Profs*15) in the GATM gene. It is expected to result in an absent or disrupted protein product. Loss-of-function variants in GATM are known to be pathogenic (PMID: 11555793). This variant is not present in population databases (gnomAD no frequency). This variant has not been reported in the literature in individuals affected with GATM-related conditions. For these reasons, this variant has been classified as Pathogenic.

Literature cited by the submitters: PubMed 11555793.

NM_001482.3(GATM):c.41_48dup (p.Val17fs)

Genes: GATM (glycine amidinotransferase; minus strand), LOC130056991 (ATAC-STARR-seq lymphoblastoid silent region 6406; plus strand). Cytogenetic location: 15q21.1.
Variant type: Duplication.
Coding change: c.41_48dup on transcript NM_001482.3 (MANE Select); coding-DNA positions 41 to 48, 8 bases duplicated (CCGAGGCG; older notation c.41_48dupCCGAGGCG).
Protein change: p.Val17fs; shifts the reading frame from valine 17.
Molecular consequence: frameshift variant. On other transcripts: intron variant (1).
Genome position (GRCh38, 1-based): chr15:45,378,406-45,378,413, CGCCTCGG duplicated on the plus strand (CCGAGGCG on the coding strand, the reverse complement: GATM is on the minus strand); duplicating any 8 consecutive bases within chr15:45,378,406-45,378,417 gives the same sequence; the c. name uses the placement nearest the transcript's 3' end. VCF-style (leftmost placement, unchanged base first): chr15-45378405-C-CCGCCTCGG. GRCh37 (hg19) VCF-style: chr15-45670603-C-CCGCCTCGG.
Other names: c.-318-1594_-318-1587dup (NM_001321015.2); short protein forms V17fs.
Identifiers: ClinVar variation 2799740 (VCV002799740.3), dbSNP rs2542009946, ClinGen allele CA2739269466.